The following is an entry in ClinVar:

NM_001191061.2(SLC25A22):c.609G>A (p.Val203=)

Gene: SLC25A22 (solute carrier family 25 member 22; minus strand). Cytogenetic location: 11p15.5.
Variant type: single nucleotide variant.
Coding change: c.609G>A on transcript NM_001191061.2 (MANE Select); coding-DNA position 609, G replaced by A.
Protein change: p.Val203=; no amino-acid change (valine 203 retained).
Molecular consequence: synonymous variant.
Genome position (GRCh38, 1-based): chr11:792,437, C>T on the plus strand (G>A on the coding strand, the complement: SLC25A22 is on the minus strand). VCF-style: chr11-792437-C-T. GRCh37 (hg19) VCF-style: chr11-792437-C-T.
Other names: c.609G>A, p.Val203= (NM_001191060.2, NM_024698.6).
Identifiers: ClinVar variation 378594 (VCV000378594.9), dbSNP rs751993115, ClinGen allele CA5789116.

ClinVar aggregate classification (germline): Likely benign. Review status: criteria provided, multiple submitters, no conflicts (2 of 4 stars). 2 submissions from 2 submitters: Likely benign (2). Last evaluated 2025-01-20.

Conditions:
Early-infantile DEE. Also called: Early infantile epileptic encephalopathy; Ohtahara syndrome; Early infantile epileptic encephalopathy with suppression bursts. Identifiers: Orphanet 1934, MedGen C0393706, MONDO:0800491.

Allele frequency attached by ClinVar (database versions not stated): TOPMed below 0.00001; ExAC 0.00001; gnomAD exomes 0.00001 and 0.00002.
gnomAD v4.1: 32 of 1,613,440 alleles (0.002%); highest among the groups gnomAD compares: Non-Finnish European, 0.0027%; no homozygotes.

Submissions (2):

Labcorp Genetics (formerly Invitae), Labcorp
Classification: Likely benign for Early-infantile DEE. Last evaluated: 2025-01-20. Review status: criteria provided, single submitter. Criteria: Invitae Variant Classification Sherloc (09022015). Collection method: clinical testing. Allele origin: germline.

GeneDx
Classification: Likely benign. Last evaluated: 2016-04-26. Review status: criteria provided, single submitter. Criteria: GeneDx Variant Classification (06012015). Collection method: clinical testing. Allele origin: germline. Affected: yes.
Comment: This variant is considered likely benign or benign based on one or more of the following criteria: it is a conservative change, it occurs at a poorly conserved position in the protein, it is predicted to be benign by multiple in silico algorithms, and/or has population frequency not consistent with disease.